The following is an entry in ClinVar:

ClinVar aggregate classification (germline): Uncertain significance (1 of 4 stars; one submission).

Conditions:
Autosomal recessive limb-girdle muscular dystrophy type 2J (LGMDR10). Also called: MUSCULAR DYSTROPHY, LIMB-GIRDLE, AUTOSOMAL RECESSIVE 10; Limb-girdle muscular dystrophy, type 2J. Identifiers: Orphanet 140922, MedGen C1837342, MONDO:0012127, OMIM 608807.
Dilated cardiomyopathy 1G (CMD1G). Identifiers: Orphanet 154, MedGen C1858763, MONDO:0011400, OMIM 604145.

Submission:

Labcorp Genetics (formerly Invitae), Labcorp
Classification: Uncertain significance for Dilated cardiomyopathy 1G; Autosomal recessive limb-girdle muscular dystrophy type 2J. Last evaluated: 2025-05-26. Review status: criteria provided, single submitter. Criteria: Invitae Variant Classification Sherloc (09022015). Collection method: clinical testing. Allele origin: germline.
Comment: This sequence change falls in intron 271 of the TTN gene. It does not directly change the encoded amino acid sequence of the TTN protein. It affects a nucleotide within the consensus splice site. This variant is not present in population databases (gnomAD no frequency). This variant has not been reported in the literature in individuals affected with TTN-related conditions. Variants that disrupt the consensus splice site are a relatively common cause of aberrant splicing (PMID: 17576681, 9536098). Algorithms developed to predict the effect of sequence changes on RNA splicing suggest that this variant may disrupt the consensus splice site. In summary, the available evidence is currently insufficient to determine the role of this variant in disease. Therefore, it has been classified as a Variant of Uncertain Significance.

Literature cited by the submitters: PubMed 17576681; PubMed 9536098.

NM_001267550.2(TTN):c.51436+2dup

Genes: TTN (titin; minus strand), TTN-AS1 (TTN antisense RNA 1; plus strand). Cytogenetic location: 2q31.2.
Variant type: Duplication.
Coding change: c.51436+2dup on transcript NM_001267550.2 (MANE Select); the canonical splice donor site of the intron after coding-DNA position 51436, one base duplicated (T; older notation c.51436+2dupT).
Molecular consequence: splice donor variant.
Genome position (GRCh38, 1-based): chr2:178,610,088, A duplicated on the plus strand (T on the coding strand, the reverse complement: TTN is on the minus strand). VCF-style (leftmost placement, unchanged base first): chr2-178610087-T-TA. GRCh37 (hg19) VCF-style: chr2-179474814-T-TA.
Other names: c.24241+2dup (NM_003319.4); c.24817+2dup (NM_133437.4); c.24616+2dup (NM_133432.3); c.43732+2dup (NM_133378.4); c.46513+2dup (NM_001256850.1).
Identifiers: ClinVar variation 4794759 (VCV004794759.1).